The following is an entry in ClinVar:

ClinVar aggregate classification (germline): Likely pathogenic. Review status: criteria provided, multiple submitters, no conflicts (2 of 4 stars). 2 submissions from 2 submitters: Likely pathogenic (2). Last evaluated 2019-09-09.

Conditions:
Neonatal diabetes mellitus (NDM). Identifiers: Orphanet 224, MedGen C0158981, MONDO:0016391.

Submissions (2):

Genetic Services Laboratory, University of Chicago
Classification: Likely pathogenic. Last evaluated: 2019-09-09. Review status: criteria provided, single submitter. Criteria: ACMG Guidelines, 2015. Collection method: clinical testing. Allele origin: germline. Affected: yes.
Comment: DNA sequence analysis of the INS gene demonstrated a sequence change, c.71C>T, in exon 2 that results in an amino acid change, p.Ala24Val. The p.Ala24Val change affects a highly conserved amino acid residue located in a domain of the INS protein that is not known to be functional. The p.Ala24Val substitution appears to be deleterious using several in-silico pathogenicity prediction tools (SIFT, PolyPhen2, REVEL). This variant has not been described in large population databases such as EXAC and gnomAD. The p.Ala24Val variant has been reported in the heterozygous state in a family with permanent neonatal diabetes (PMID: 25765664). Furthermore, a different pathogenic sequence change affecting the same amino acid residue (p.Ala24Asp) has been described in multiple patients with permanent neonatal diabetes (PMIDs: 17855560, 22357960, 20034470).

Women's Health and Genetics/Laboratory Corporation of America, LabCorp
Classification: Likely pathogenic for Neonatal Diabetes Mellitus. Last evaluated: 2011-08-18. Review status: criteria provided, single submitter. Criteria: LabCorp Variant Classification Summary - May 2015. Collection method: curation, clinical testing. Allele origin: germline. Inheritance: autosomal unknown. Affected: yes.
ClinVar note: Converted during submission from likely pathogenic to Likely pathogenic.

NM_000207.3(INS):c.71C>T (p.Ala24Val)

Genes: INS (insulin; minus strand), INS-IGF2 (INS-IGF2 readthrough; minus strand). Cytogenetic location: 11p15.5.
Variant type: single nucleotide variant.
Coding change: c.71C>T on transcript NM_000207.3 (MANE Select); coding-DNA position 71, C replaced by T.
Protein change: p.Ala24Val; replaces alanine 24 with valine.
Molecular consequence: missense variant. On other transcripts: non-coding transcript variant (1).
Genome position (GRCh38, 1-based): chr11:2,160,901, G>A on the plus strand (C>T on the coding strand, the complement: INS is on the minus strand). VCF-style: chr11-2160901-G-A. GRCh37 (hg19) VCF-style: chr11-2182131-G-A.
Other names: c.71C>T, p.Ala24Val (NM_001185097.2, NM_001185098.2, NM_001291897.2 and 1 more transcripts); short protein forms A24V.
Identifiers: ClinVar variation 36401 (VCV000036401.7), dbSNP rs80356663, ClinGen allele CA214065.